The following is an entry in ClinVar:

ClinVar aggregate classification (germline): Uncertain significance (1 of 4 stars; one submission).

Conditions:
Cardiovascular phenotype. Identifiers: MedGen CN230736.

Allele frequency attached by ClinVar (database versions not stated): gnomAD exomes below 0.00001; TOPMed below 0.00001; gnomAD 0.00001.
gnomAD v4.1: 4 of 1,501,598 alleles (0.00027%); highest among the groups gnomAD compares: African/African-American, 0.0014%; no homozygotes.

Submission:

Ambry Genetics
Classification: Uncertain significance for Cardiovascular phenotype. Last evaluated: 2024-08-28. Review status: criteria provided, single submitter. Criteria: Ambry Variant Classification Scheme 2023. Collection method: clinical testing. Allele origin: germline.
Comment: The p.E3343K variant (also known as c.10027G>A), located in coding exon 28 of the TNXB gene, results from a G to A substitution at nucleotide position 10027. The glutamic acid at codon 3343 is replaced by lysine, an amino acid with similar properties. This amino acid position is conserved. In addition, this alteration is predicted to be tolerated by in silico analysis. Since supporting evidence is limited at this time, the clinical significance of this alteration remains unclear.

NM_001365276.2(TNXB):c.10033G>A (p.Glu3345Lys)

Gene: TNXB (tenascin XB; minus strand). Cytogenetic location: 6p21.33.
Variant type: single nucleotide variant.
Coding change: c.10033G>A on transcript NM_001365276.2 (MANE Select); coding-DNA position 10033, G replaced by A.
Protein change: p.Glu3345Lys; replaces glutamic acid 3345 with lysine.
Molecular consequence: missense variant.
Genome position (GRCh38, 1-based): chr6:32,048,375, C>T on the plus strand (G>A on the coding strand, the complement: TNXB is on the minus strand). VCF-style: chr6-32048375-C-T. GRCh37 (hg19) VCF-style: chr6-32016152-C-T.
Other names: c.10027G>A, p.Glu3343Lys (NM_019105.8); short protein forms E3343K, E3345K.
Identifiers: ClinVar variation 1770710 (VCV001770710.3), dbSNP rs1401796717, ClinGen allele CA363533081.